The following is an entry in ClinVar:

NM_000466.3(PEX1):c.2001dup (p.Ala668fs)

Gene: PEX1 (peroxisomal biogenesis factor 1; minus strand). Cytogenetic location: 7q21.2.
Variant type: Duplication.
Coding change: c.2001dup on transcript NM_000466.3 (MANE Select); coding-DNA position 2001, one base duplicated (T; older notation c.2001dupT).
Protein change: p.Ala668fs; shifts the reading frame from alanine 668.
Molecular consequence: frameshift variant. On other transcripts: intron variant (1).
Genome position (GRCh38, 1-based): chr7:92,504,802, A duplicated on the plus strand (T on the coding strand, the reverse complement: PEX1 is on the minus strand); the first of 2 consecutive A bases (chr7:92,504,802-92,504,803); duplicating either gives the same sequence. VCF-style (leftmost placement, unchanged base first): chr7-92504801-C-CA. GRCh37 (hg19) VCF-style: chr7-92134115-C-CA.
Other names: c.1377dup, p.Ala460fs (NM_001282678.2); c.1900+1446dup (NM_001282677.2); c.2001dupT (NM_000466.2); short protein forms A460fs, A668fs.
Identifiers: ClinVar variation 2174078 (VCV002174078.7), dbSNP rs1792102061, ClinGen allele CA1725938886.

ClinVar aggregate classification (germline): Pathogenic/Likely pathogenic. Review status: criteria provided, multiple submitters, no conflicts (2 of 4 stars). 4 submissions from 4 submitters: Pathogenic (1); Likely pathogenic (3). Last evaluated 2026-08-31.

Conditions:
PEX1-related disorder. Also called: PEX1-related condition.
Zellweger spectrum disorders (ZS). Also called: Zellweger syndrome; Zellweger Spectrum Disorder; Zellweger Spectrum; Zellweger Spectrum Disorder (ZSD). Identifiers: Orphanet 912, MedGen C0043459, MONDO:0019609.
Heimler syndrome 1 (HMLR1). Also called: PEROXISOME BIOGENESIS DISORDER 1C. Identifiers: Orphanet 3220, MedGen C4551980, OMIM 234580, MONDO:0024544.

Submissions (4):

PreventionGenetics, part of Exact Sciences
Classification: Likely pathogenic for PEX1-related condition. Last evaluated: 2026-08-31. Review status: criteria provided, single submitter. Criteria: ACMG Guidelines, 2015. Collection method: clinical testing. Allele origin: germline.
Comment: The PEX1 c.2001dupT variant is predicted to result in a frameshift and premature protein termination (p.Ala668Cysfs*10). To our knowledge, this variant has not been reported in the literature or in a large population database (gnomAD), indicating this variant is rare. Frameshift variants in PEX1 are expected to be pathogenic. This variant is interpreted as likely pathogenic.

Natera, Inc.
Classification: Likely pathogenic for Zellweger syndrome. Last evaluated: 2024-07-02. Review status: criteria provided, single submitter. Criteria: Natera Variant Classification Schema (03/2026). Collection method: clinical testing. Allele origin: germline.
Comment: The c.2001dupT variant in PEX1 is a frameshift variant predicted to shift the reading frame beginning at codon 668 and leads to a stop codon 10 codons downstream. This variant is expected to result in nonsense mediated decay, truncation, or a dysfunctional protein product. This variant is rare in the general population with a frequency below the threshold expected for the associated phenotype(s). Given the available evidence, this variant is classified as Likely Pathogenic.

Labcorp Genetics (formerly Invitae), Labcorp
Classification: Pathogenic for Zellweger spectrum disorders. Last evaluated: 2023-12-23. Review status: criteria provided, single submitter. Criteria: Invitae Variant Classification Sherloc (09022015). Collection method: clinical testing. Allele origin: germline.
Comment: This sequence change creates a premature translational stop signal (p.Ala668Cysfs*10) in the PEX1 gene. It is expected to result in an absent or disrupted protein product. Loss-of-function variants in PEX1 are known to be pathogenic (PMID: 21031596, 26387595, 31831025). This variant is not present in population databases (gnomAD no frequency). This variant has not been reported in the literature in individuals affected with PEX1-related conditions. ClinVar contains an entry for this variant (Variation ID: 2174078). Algorithms developed to predict the effect of sequence changes on RNA splicing suggest that this variant may disrupt the consensus splice site. For these reasons, this variant has been classified as Pathogenic.

Baylor Genetics
Classification: Likely pathogenic for Heimler syndrome 1. Last evaluated: 2023-05-25. Review status: criteria provided, single submitter. Criteria: ACMG Guidelines, 2015. Collection method: clinical testing. Allele origin: unknown.

Literature cited by the submitters: PubMed 21031596 (cited by Labcorp Genetics (formerly Invitae), Labcorp); PubMed 26387595 (cited by Labcorp Genetics (formerly Invitae), Labcorp); PubMed 31831025 (cited by Labcorp Genetics (formerly Invitae), Labcorp).